The following is an entry in ClinVar:

ClinVar aggregate classification (germline): Uncertain significance (1 of 4 stars; one submission).

Conditions:
Amyotrophic lateral sclerosis-parkinsonism-dementia complex. Also called: AMYOTROPHIC LATERAL SCLEROSIS-PARKINSONISM/DEMENTIA COMPLEX 1; GUAM DISEASE. Identifiers: Orphanet 90020, MedGen C0543859, MONDO:0007104, OMIM 105500.

gnomAD v4.1: 12 of 1,613,774 alleles (0.00074%); highest among the groups gnomAD compares: Non-Finnish European, 0.00076%; no homozygotes.

Submission:

3billion
Classification: Uncertain significance for Amyotrophic lateral sclerosis-parkinsonism-dementia complex. Last evaluated: 2025-08-14. Review status: criteria provided, single submitter. Criteria: ACMG Guidelines, 2015. Collection method: clinical testing. Allele origin: germline. Affected: yes.
Comment: The variant is observed at an extremely low frequency in the gnomAD v4.1.0 dataset (total allele frequency: <0.001%). Predicted Consequence/Location: Missense variant In silico tool predictions suggest damaging effect of the variant on gene or gene product [REVEL: 0.76 (>=0.6, sensitivity 0.68 and specificity 0.92)]. Therefore, this variant is classified as VUS according to the recommendation of ACMG/AMP guideline.

NM_017672.6(TRPM7):c.2794A>G (p.Ile932Val)

Gene: TRPM7 (transient receptor potential cation channel subfamily M member 7; minus strand). Cytogenetic location: 15q21.2.
Variant type: single nucleotide variant.
Coding change: c.2794A>G on transcript NM_017672.6 (MANE Select); coding-DNA position 2794, A replaced by G.
Protein change: p.Ile932Val; replaces isoleucine 932 with valine.
Molecular consequence: missense variant. On other transcripts: non-coding transcript variant (3).
Genome position (GRCh38, 1-based): chr15:50,605,060, T>C on the plus strand (A>G on the coding strand, the complement: TRPM7 is on the minus strand). VCF-style: chr15-50605060-T-C. GRCh37 (hg19) VCF-style: chr15-50897257-T-C.
Other names: c.2794A>G, p.Ile932Val (NM_001301212.2); short protein forms I932V.
Identifiers: ClinVar variation 4855629 (VCV004855629.1).